The following is an entry in ClinVar:

ClinVar aggregate classification (germline): Uncertain significance (1 of 4 stars; one submission).

Conditions:
Nephronophthisis 14 (NPHP14). Identifiers: Orphanet 2318, MedGen C3539071, MONDO:0013916, OMIM 614844.

Allele frequency attached by ClinVar (database versions not stated): gnomAD exomes below 0.00001.
gnomAD v4.1: 3 of 1,613,836 alleles (0.00019%); highest among the groups gnomAD compares: African/African-American, 0.0013%; no homozygotes.

Submission:

Labcorp Genetics (formerly Invitae), Labcorp
Classification: Uncertain significance for Nephronophthisis 14. Last evaluated: 2022-04-10. Review status: criteria provided, single submitter. Criteria: Invitae Variant Classification Sherloc (09022015). Collection method: clinical testing. Allele origin: germline.
Comment: In summary, the available evidence is currently insufficient to determine the role of this variant in disease. Therefore, it has been classified as a Variant of Uncertain Significance. Algorithms developed to predict the effect of missense changes on protein structure and function are either unavailable or do not agree on the potential impact of this missense change (SIFT: "Deleterious"; PolyPhen-2: "Benign"; Align-GVGD: "Class C0"). This variant has not been reported in the literature in individuals affected with ZNF423-related conditions. This variant is present in population databases (no rsID available, gnomAD 0.007%). This sequence change replaces glycine, which is neutral and non-polar, with serine, which is neutral and polar, at codon 362 of the ZNF423 protein (p.Gly362Ser).

NM_001379286.1(ZNF423):c.1108G>A (p.Gly370Ser)

Gene: ZNF423 (zinc finger protein 423; minus strand). Cytogenetic location: 16q12.1.
Variant type: single nucleotide variant.
Coding change: c.1108G>A on transcript NM_001379286.1 (MANE Select); coding-DNA position 1108, G replaced by A.
Protein change: p.Gly370Ser; replaces glycine 370 with serine.
Molecular consequence: missense variant.
Genome position (GRCh38, 1-based): chr16:49,638,068, C>T on the plus strand (G>A on the coding strand, the complement: ZNF423 is on the minus strand). VCF-style: chr16-49638068-C-T. GRCh37 (hg19) VCF-style: chr16-49671979-C-T.
Other names: c.904G>A, p.Gly302Ser (NM_001271620.2); c.733G>A, p.Gly245Ser (NM_001330533.2); c.1084G>A, p.Gly362Ser (NM_015069.5); short protein forms G370S, G302S, G245S, G362S.
Identifiers: ClinVar variation 1916932 (VCV001916932.5), dbSNP rs1350286724, ClinGen allele CA395850303.